The following is an entry in ClinVar:

NM_005475.3(SH2B3):c.175C>T (p.Arg59Cys)

Gene: SH2B3 (SH2B adaptor protein 3; plus strand). Cytogenetic location: 12q24.12.
Variant type: single nucleotide variant.
Coding change: c.175C>T on transcript NM_005475.3 (MANE Select); coding-DNA position 175, C replaced by T.
Protein change: p.Arg59Cys; replaces arginine 59 with cysteine.
Molecular consequence: missense variant.
Genome position (GRCh38, 1-based): chr12:111,418,320, C>T. VCF-style: chr12-111418320-C-T. GRCh37 (hg19) VCF-style: chr12-111856124-C-T.
Other names: short protein forms R59C.
Identifiers: ClinVar variation 3794998 (VCV003794998.1).

ClinVar aggregate classification (germline): Uncertain significance (1 of 4 stars; one submission).

Conditions:
Inborn genetic diseases. Identifiers: MedGen C0950123, MeSH D030342.

Submission:

Ambry Genetics
Classification: Uncertain significance for Inborn genetic diseases. Last evaluated: 2024-12-14. Review status: criteria provided, single submitter. Criteria: Ambry Variant Classification Scheme 2023. Collection method: clinical testing. Allele origin: germline.
Comment: The p.R59C variant (also known as c.175C>T), located in coding exon 1 of the SH2B3 gene, results from a C to T substitution at nucleotide position 175. The arginine at codon 59 is replaced by cysteine, an amino acid with highly dissimilar properties. This amino acid position is conserved. In addition, this alteration is predicted to be tolerated by in silico analysis. Based on the available evidence, the clinical significance of this variant remains unclear.